The following is an entry in ClinVar:

NM_018297.4(NGLY1):c.53C>T (p.Ala18Val)

Gene: NGLY1 (N-glycanase 1; minus strand). Cytogenetic location: 3p24.2.
Variant type: single nucleotide variant.
Coding change: c.53C>T on transcript NM_018297.4 (MANE Select); coding-DNA position 53, C replaced by T.
Protein change: p.Ala18Val; replaces alanine 18 with valine.
Molecular consequence: missense variant. On other transcripts: intron variant (1).
Genome position (GRCh38, 1-based): chr3:25,783,338, G>A on the plus strand (C>T on the coding strand, the complement: NGLY1 is on the minus strand). VCF-style: chr3-25783338-G-A. GRCh37 (hg19) VCF-style: chr3-25824829-G-A.
Other names: c.53C>T, p.Ala18Val (NM_001145293.2, NM_001145295.2); c.6-4650C>T (NM_001145294.2); short protein forms A18V.
Identifiers: ClinVar variation 571449 (VCV000571449.5), dbSNP rs776883349, ClinGen allele CA2289599.

ClinVar aggregate classification (germline): Uncertain significance. Review status: criteria provided, multiple submitters, no conflicts (2 of 4 stars). 2 submissions from 2 submitters: Uncertain significance (2). Last evaluated 2022-09-07.

Conditions:
Congenital disorder of deglycosylation (CDDG). Identifiers: MedGen C3808991, MONDO:0031376.

Allele frequency attached by ClinVar (database versions not stated): TOPMed below 0.00001; gnomAD exomes 0.00001 and 0.00007; ExAC 0.00006.
gnomAD v4.1: 14 of 1,585,466 alleles (0.00088%); highest among the groups gnomAD compares: Admixed American, 0.023%; no homozygotes.

Submissions (2):

Labcorp Genetics (formerly Invitae), Labcorp
Classification: Uncertain significance for Congenital disorder of deglycosylation. Last evaluated: 2022-09-07. Review status: criteria provided, single submitter. Criteria: Invitae Variant Classification Sherloc (09022015). Collection method: clinical testing. Allele origin: germline.
Comment: This sequence change replaces alanine, which is neutral and non-polar, with valine, which is neutral and non-polar, at codon 18 of the NGLY1 protein (p.Ala18Val). This variant is present in population databases (rs776883349, gnomAD 0.04%). This variant has not been reported in the literature in individuals affected with NGLY1-related conditions. ClinVar contains an entry for this variant (Variation ID: 571449). Algorithms developed to predict the effect of missense changes on protein structure and function are either unavailable or do not agree on the potential impact of this missense change (SIFT: "Tolerated"; PolyPhen-2: "Not Available"; Align-GVGD: "Class C0"). In summary, the available evidence is currently insufficient to determine the role of this variant in disease. Therefore, it has been classified as a Variant of Uncertain Significance.

Fulgent Genetics
Classification: Uncertain significance for Congenital disorder of deglycosylation 1. Last evaluated: 2018-10-31. Review status: criteria provided, single submitter. Criteria: ACMG Guidelines, 2015. Collection method: clinical testing. Allele origin: unknown.